The following is an entry in ClinVar:

ClinVar aggregate classification (germline): Uncertain significance (1 of 4 stars; one submission).

Conditions:
NR0B2-related disorder. Also called: NR0B2-related condition.

gnomAD v4.1: 2 of 1,614,138 alleles (0.00012%); highest among the groups gnomAD compares: African/African-American, 0.0027%; no homozygotes.

Submission:

PreventionGenetics, part of Exact Sciences
Classification: Uncertain significance for NR0B2-related condition. Last evaluated: 2025-05-09. Review status: criteria provided, single submitter. Criteria: ACMG Guidelines, 2015. Collection method: clinical testing. Allele origin: germline.
Comment: The NR0B2 c.380G>A variant is predicted to result in the amino acid substitution p.Ser127Asn. To our knowledge, this variant has not been reported in the literature or in a large population database (gnomAD), indicating this variant is rare. At this time, the clinical significance of this variant is uncertain due to the absence of conclusive functional and genetic evidence.

NM_021969.3(NR0B2):c.380G>A (p.Ser127Asn)

Genes: NR0B2 (nuclear receptor subfamily 0 group B member 2; minus strand), NUDC (nuclear distribution C, dynein complex regulator; plus strand). Cytogenetic location: 1p36.11.
Variant type: single nucleotide variant.
Coding change: c.380G>A on transcript NM_021969.3 (MANE Select); coding-DNA position 380, G replaced by A.
Protein change: p.Ser127Asn; replaces serine 127 with asparagine.
Molecular consequence: missense variant.
Genome position (GRCh38, 1-based): chr1:26,913,561, C>T on the plus strand (G>A on the coding strand, the complement: NR0B2 is on the minus strand). VCF-style: chr1-26913561-C-T. GRCh37 (hg19) VCF-style: chr1-27240052-C-T.
Other names: short protein forms S127N.
Identifiers: ClinVar variation 4978919 (VCV004978919.1).
Genomic context (GRCh38, chr1:26,913,561, plus strand): 5'-TGCACCGCAGCCAGGGAGGGCTGGGGTCTGTCTGGCAGTTGGCCACTGCCTCCACTGCTG[C>T]TGGGCTCCTCCAGCAGAATCTTCTTGAGTATGCTGGGCACCGGGGCCTCAGCCACCTCAA-3'
Protein context (NP_068804.1, residues 117-137): ILKKILLEEP[Ser127Asn]SSGGSGQLPD